The following is an entry in ClinVar:

NM_000059.4(BRCA2):c.9470del (p.Glu3157fs)

Gene: BRCA2 (BRCA2 DNA repair associated; plus strand). Cytogenetic location: 13q13.1.
Variant type: Deletion.
Coding change: c.9470del on transcript NM_000059.4 (MANE Select); coding-DNA position 9470, one base deleted (A; older notation c.9470delA).
Protein change: p.Glu3157fs; shifts the reading frame from glutamic acid 3157.
Molecular consequence: frameshift variant.
Genome position (GRCh38, 1-based): chr13:32,394,902, A deleted. VCF-style (leftmost placement, unchanged base first): chr13-32394901-GA-G. GRCh37 (hg19) VCF-style: chr13-32969038-GA-G.
Other names: c.9470delA (NM_000059.3); short protein forms E3157fs.
Identifiers: ClinVar variation 548365 (VCV000548365.1), dbSNP rs1555289604, ClinGen allele CA658823583.

ClinVar aggregate classification (germline): Pathogenic (3 of 4 stars; one submission).

Conditions:
Breast-ovarian cancer, familial, susceptibility to, 2 (BROVCA2). Also called: BRCA2 Hereditary Breast and Ovarian Cancer. Identifiers: Orphanet 145, MedGen C2675520, MONDO:0012933, OMIM 612555. Disease mechanism: loss of function.

Submission:

Evidence-based Network for the Interpretation of Germline Mutant Alleles (ENIGMA)
Classification: Pathogenic for Breast-ovarian cancer, familial, susceptibility to, 2. Last evaluated: 2017-12-15. Review status: reviewed by expert panel. Criteria: ENIGMA BRCA1/2 Classification Criteria (2017-06-29). Collection method: curation. Allele origin: germline. Study: ENIGMA.
Comment: Variant allele predicted to encode a truncated non-functional protein.